The following is an entry in ClinVar:

ClinVar aggregate classification (germline): Likely benign (0 of 4 stars; one submission).

Conditions:
CD207-related disorder. Also called: CD207-related condition.

Allele frequency attached by ClinVar (database versions not stated): ESP Exome Variant Server 0.00024; gnomAD 0.00037; TOPMed 0.00047; ExAC 0.00056; 1000 Genomes Project 0.00060; 1000 Genomes Project 30x 0.00062.
gnomAD v4.1: 634 of 1,610,438 alleles (0.039%); highest among the groups gnomAD compares: South Asian, 0.092%; 4 homozygotes.

Submission:

PreventionGenetics, part of Exact Sciences
Classification: Likely benign for CD207-related condition. Last evaluated: 2019-02-22. Review status: no assertion criteria provided. Collection method: clinical testing. Allele origin: germline.
Comment: This variant is classified as likely benign based on ACMG/AMP sequence variant interpretation guidelines (Richards et al. 2015 PMID: 25741868, with internal and published modifications).

NM_015717.5(CD207):c.183C>T (p.Ala61=)

Gene: CD207 (CD207 molecule; minus strand). Cytogenetic location: 2p13.3.
Variant type: single nucleotide variant.
Coding change: c.183C>T on transcript NM_015717.5 (MANE Select); coding-DNA position 183, C replaced by T.
Protein change: p.Ala61=; no amino-acid change (alanine 61 retained).
Molecular consequence: synonymous variant.
Genome position (GRCh38, 1-based): chr2:70,835,498, G>A on the plus strand (C>T on the coding strand, the complement: CD207 is on the minus strand). VCF-style: chr2-70835498-G-A. GRCh37 (hg19) VCF-style: chr2-71062629-G-A.
Identifiers: ClinVar variation 3049037 (VCV003049037.2), dbSNP rs201227431, ClinGen allele CA1700482.
Genomic context (GRCh38, chr2:70,835,498, plus strand): 5'-CCGGCTGGCCACAGAGAGGGGCTAAGCCCAGACGATGAAACATGAGGACTTACAAAGGAC[G>A]GCCTGCAGCAGGACGGAGGCGACCAGGACCAGCGTCAGGCAGATTAATGCAGCACGGACT-3'
Protein context (NP_056532.4, residues 51-71): LVLVASVLLQ[Ala61=]VLYPRFMGTI